The following is an entry in ClinVar:

ClinVar aggregate classification (germline): Uncertain significance (1 of 4 stars; one submission).

Conditions:
Neuropathy, hereditary sensory, type 2C. Also called: Hereditary sensory and autonomic neuropathy type IIC; KIF1A-Related HSAN2 (HSAN2C). Identifiers: Orphanet 970, MedGen C3280168, MONDO:0013634, OMIM 614213.
Hereditary spastic paraplegia 30. Identifiers: Orphanet 101010, MedGen C5235139, MONDO:0012476.
Intellectual disability, autosomal dominant 9 (NESCAVS). Also called: NESCAV SYNDROME; KIF1A-Related Neurodevelopmental Disorder. Identifiers: Orphanet 662367, MedGen C5393830, MONDO:0013656, OMIM 614255.

Submission:

Labcorp Genetics (formerly Invitae), Labcorp
Classification: Uncertain significance for Hereditary spastic paraplegia 30; Neuropathy, hereditary sensory, type 2C; Intellectual disability, autosomal dominant 9. Last evaluated: 2024-01-07. Review status: criteria provided, single submitter. Criteria: Invitae Variant Classification Sherloc (09022015). Collection method: clinical testing. Allele origin: germline.
Comment: This sequence change falls in intron 14 of the KIF1A gene. It does not directly change the encoded amino acid sequence of the KIF1A protein. This variant is not present in population databases (gnomAD no frequency). This variant has not been reported in the literature in individuals affected with KIF1A-related conditions. Algorithms developed to predict the effect of sequence changes on RNA splicing suggest that this variant may create or strengthen a splice site. In summary, the available evidence is currently insufficient to determine the role of this variant in disease. Therefore, it has been classified as a Variant of Uncertain Significance.

NM_001244008.2(KIF1A):c.1421+13G>T

Gene: KIF1A (kinesin family member 1A; minus strand). Cytogenetic location: 2q37.3.
Variant type: single nucleotide variant.
Coding change: c.1421+13G>T on transcript NM_001244008.2 (MANE Select); 13 bases into the intron after coding-DNA position 1421, G replaced by T.
Molecular consequence: intron variant.
Genome position (GRCh38, 1-based): chr2:240,769,614, C>A on the plus strand (G>T on the coding strand, the complement: KIF1A is on the minus strand). VCF-style: chr2-240769614-C-A. GRCh37 (hg19) VCF-style: chr2-241709031-C-A.
Other names: c.1394+13G>T (NM_001379653.1, NM_001379650.1, NM_001379645.1 and 10 more transcripts); c.1496+13G>T (NM_001379635.1, NM_001330290.2, NM_001379646.1 and 2 more transcripts); c.1469+13G>T (NM_001379637.1, NM_001379648.1); c.1421+13G>T (NM_001320705.2, NM_001379638.1, NM_001330289.2).
Identifiers: ClinVar variation 2922027 (VCV002922027.3), dbSNP rs2051682760, ClinGen allele CA2740096533.